The following is an entry in ClinVar:

NM_017780.4(CHD7):c.1473C>T (p.Ile491=)

Gene: CHD7 (chromodomain helicase DNA binding protein 7; plus strand). Cytogenetic location: 8q12.2.
Variant type: single nucleotide variant.
Coding change: c.1473C>T on transcript NM_017780.4 (MANE Select); coding-DNA position 1473, C replaced by T.
Protein change: p.Ile491=; no amino-acid change (isoleucine 491 retained).
Molecular consequence: synonymous variant.
Genome position (GRCh38, 1-based): chr8:60,742,905, C>T. VCF-style: chr8-60742905-C-T. GRCh37 (hg19) VCF-style: chr8-61655464-C-T.
Other names: c.1473C>T, p.Ile491= (NM_001316690.1); c.1473C>T (NM_017780.3).
Identifiers: ClinVar variation 1535397 (VCV001535397.11), dbSNP rs182294889, ClinGen allele CA4759499.

ClinVar aggregate classification (germline): Benign/Likely benign. Review status: criteria provided, multiple submitters, no conflicts (2 of 4 stars). 3 submissions from 3 submitters: Benign (1); Likely benign (1). 1 of the submissions does not count toward it. Last evaluated 2024-09-07.

Conditions:
CHARGE syndrome (CHARGE). Also called: Coloboma, heart anomaly, choanal atresia, retardation, genital and ear anomalies; CHARGE association; Hall-Hittner syndrome; Hittner Hirsch Kreh syndrome; CHARGE ASSOCIATION--COLOBOMA, HEART ANOMALY, CHOANAL ATRESIA, RETARDATION, GENITAL AND EAR ANOMALIES. Identifiers: Orphanet 138, MedGen C0265354, MONDO:0008965.
CHD7-related disorder. Also called: CHD7-related condition.

Allele frequency attached by ClinVar (database versions not stated): gnomAD exomes 0.00010 and 0.00020; 1000 Genomes Project 30x 0.00016; gnomAD 0.00017 and 0.00019; 1000 Genomes Project 0.00020; ExAC 0.00020.
gnomAD v4.1: 175 of 1,612,502 alleles (0.011%); highest among the groups gnomAD compares: East Asian, 0.0045%; no homozygotes.

Submissions (3):

Blueprint Genetics
Classification: Likely benign. Last evaluated: 2024-09-07. Review status: criteria provided, single submitter. Criteria: ACMG Guidelines, 2015. Collection method: clinical testing. Allele origin: germline.

Labcorp Genetics (formerly Invitae), Labcorp
Classification: Benign for CHARGE syndrome. Last evaluated: 2024-06-17. Review status: criteria provided, single submitter. Criteria: Invitae Variant Classification Sherloc (09022015). Collection method: clinical testing. Allele origin: germline.

PreventionGenetics, part of Exact Sciences
Classification: Likely benign for CHD7-related condition. Last evaluated: 2020-08-07. Review status: no assertion criteria provided. Collection method: clinical testing. Allele origin: germline. Not counted in ClinVar's aggregate classification.
Comment: This variant is classified as likely benign based on ACMG/AMP sequence variant interpretation guidelines (Richards et al. 2015 PMID: 25741868, with internal and published modifications).